The following is an entry in ClinVar:

ClinVar aggregate classification (germline): Likely pathogenic (1 of 4 stars; one submission).

Conditions:
Meckel-Gruber syndrome. Also called: DYSENCEPHALIA SPLANCHNOCYSTICA; GRUBER SYNDROME; Dysencephalia splachnocystica. Identifiers: Orphanet 564, MedGen C0265215, MONDO:0018921.
Joubert syndrome. Also called: CEREBELLOPARENCHYMAL DISORDER IV; JOUBERT-BOLTSHAUSER SYNDROME; Familial aplasia of the vermis. Identifiers: Orphanet 475, MedGen C5979921, MONDO:0018772.

Allele frequency attached by ClinVar (database versions not stated): gnomAD exomes below 0.00001.
gnomAD v4.1: 1 of 1,614,050 alleles (0.000062%); highest among the groups gnomAD compares: South Asian, 0.0011%; no homozygotes.

Submission:

Labcorp Genetics (formerly Invitae), Labcorp
Classification: Likely pathogenic for Joubert syndrome; Meckel-Gruber syndrome. Last evaluated: 2023-03-23. Review status: criteria provided, single submitter. Criteria: Invitae Variant Classification Sherloc (09022015). Collection method: clinical testing. Allele origin: germline.
Comment: This variant is not present in population databases (gnomAD no frequency). In summary, the currently available evidence indicates that the variant is pathogenic, but additional data are needed to prove that conclusively. Therefore, this variant has been classified as Likely Pathogenic. Advanced modeling of protein sequence and biophysical properties (such as structural, functional, and spatial information, amino acid conservation, physicochemical variation, residue mobility, and thermodynamic stability) performed at Invitae indicates that this missense variant is expected to disrupt TCTN1 protein function. ClinVar contains an entry for this variant (Variation ID: 834795). This missense change has been observed in individual(s) with TCTN1-related conditions (Invitae). In at least one individual the data is consistent with being in trans (on the opposite chromosome) from a pathogenic variant. This sequence change replaces leucine, which is neutral and non-polar, with glutamine, which is neutral and polar, at codon 213 of the TCTN1 protein (p.Leu213Gln).

NM_001082538.3(TCTN1):c.638T>A (p.Leu213Gln)

Gene: TCTN1 (tectonic family member 1; plus strand). Cytogenetic location: 12q24.11.
Variant type: single nucleotide variant.
Coding change: c.638T>A on transcript NM_001082538.3 (MANE Select); coding-DNA position 638, T replaced by A.
Protein change: p.Leu213Gln; replaces leucine 213 with glutamine.
Molecular consequence: missense variant. On other transcripts: non-coding transcript variant (1).
Genome position (GRCh38, 1-based): chr12:110,632,485, T>A. VCF-style: chr12-110632485-T-A. GRCh37 (hg19) VCF-style: chr12-111070290-T-A.
Other names: c.638T>A, p.Leu213Gln (NM_001082537.3, NM_001319680.2, NM_024549.6); c.470T>A, p.Leu157Gln (NM_001173975.3); c.458T>A, p.Leu153Gln (NM_001173976.2); c.104T>A, p.Leu35Gln (NM_001319681.2); short protein forms L153Q, L157Q, L213Q, L35Q.
Identifiers: ClinVar variation 834795 (VCV000834795.8), dbSNP rs2066300090, ClinGen allele CA386703104.